The following is an entry in ClinVar:

NM_005535.3(IL12RB1):c.1532G>A (p.Arg511Gln)

Gene: IL12RB1 (interleukin 12 receptor subunit beta 1; minus strand). Cytogenetic location: 19p13.11.
Variant type: single nucleotide variant.
Coding change: c.1532G>A on transcript NM_005535.3 (MANE Select); coding-DNA position 1532, G replaced by A.
Protein change: p.Arg511Gln; replaces arginine 511 with glutamine.
Molecular consequence: missense variant.
Genome position (GRCh38, 1-based): chr19:18,063,962, C>T on the plus strand (G>A on the coding strand, the complement: IL12RB1 is on the minus strand). VCF-style: chr19-18063962-C-T. GRCh37 (hg19) VCF-style: chr19-18174772-C-T.
Other names: c.1532G>A, p.Arg511Gln (NM_001290023.2); c.1652G>A, p.Arg551Gln (NM_001290024.2); short protein forms R511Q, R551Q.
Identifiers: ClinVar variation 2895723 (VCV002895723.2), dbSNP rs758908533, ClinGen allele CA9304798.

ClinVar aggregate classification (germline): Uncertain significance. Review status: criteria provided, multiple submitters, no conflicts (2 of 4 stars). 2 submissions from 2 submitters: Uncertain significance (2). Last evaluated 2024-04-08.

Conditions:
Mendelian susceptibility to mycobacterial diseases due to complete IL12RB1 deficiency. Also called: IL12RB1 DEFICIENCY; Immunodeficiency 30. Identifiers: Orphanet 319552, MedGen C4013949, MONDO:0013955, OMIM 614891.
Inborn genetic diseases. Identifiers: MedGen C0950123, MeSH D030342.

Allele frequency attached by ClinVar (database versions not stated): gnomAD 0.00001; gnomAD exomes 0.00001; TOPMed 0.00001; ExAC 0.00003.
gnomAD v4.1: 14 of 1,612,534 alleles (0.00087%); highest among the groups gnomAD compares: Middle Eastern, 0.016%; no homozygotes.

Submissions (2):

Ambry Genetics
Classification: Uncertain significance for Inborn genetic diseases. Last evaluated: 2024-04-08. Review status: criteria provided, single submitter. Criteria: Ambry Variant Classification Scheme 2023. Collection method: clinical testing. Allele origin: germline.

Labcorp Genetics (formerly Invitae), Labcorp
Classification: Uncertain significance for Mendelian susceptibility to mycobacterial diseases due to complete IL12RB1 deficiency. Last evaluated: 2023-12-27. Review status: criteria provided, single submitter. Criteria: Invitae Variant Classification Sherloc (09022015). Collection method: clinical testing. Allele origin: germline.
Comment: This sequence change replaces arginine, which is basic and polar, with glutamine, which is neutral and polar, at codon 511 of the IL12RB1 protein (p.Arg511Gln). This variant is present in population databases (rs758908533, gnomAD 0.007%). This variant has not been reported in the literature in individuals affected with IL12RB1-related conditions. Advanced modeling of protein sequence and biophysical properties (such as structural, functional, and spatial information, amino acid conservation, physicochemical variation, residue mobility, and thermodynamic stability) performed at Invitae indicates that this missense variant is not expected to disrupt IL12RB1 protein function with a negative predictive value of 80%. In summary, the available evidence is currently insufficient to determine the role of this variant in disease. Therefore, it has been classified as a Variant of Uncertain Significance.